The following is an entry in ClinVar:

ClinVar aggregate classification (germline): Conflicting classifications of pathogenicity. Review status: criteria provided, conflicting classifications (1 of 4 stars). 2 submissions from 2 submitters: Uncertain significance (1); Likely benign (1). Last evaluated 2023-12-19.

Conditions:
Treacher Collins syndrome 1 (TCS1). Also called: TCOF1-Related Treacher Collins Syndrome. Identifiers: Orphanet 861, MedGen CN315775, MONDO:0007944, OMIM 154500.

Allele frequency attached by ClinVar (database versions not stated): gnomAD exomes below 0.00001 and 0.00001; gnomAD 0.00001; TOPMed 0.00001.
gnomAD v4.1: 6 of 1,614,024 alleles (0.00037%); highest among the groups gnomAD compares: Non-Finnish European, 0.00042%; no homozygotes.

Submissions (2):

Labcorp Genetics (formerly Invitae), Labcorp
Classification: Likely benign for Treacher Collins syndrome 1. Last evaluated: 2023-12-19. Review status: criteria provided, single submitter. Criteria: Invitae Variant Classification Sherloc (09022015). Collection method: clinical testing. Allele origin: germline.

GeneDx
Classification: Uncertain significance. Last evaluated: 2019-09-18. Review status: criteria provided, single submitter. Criteria: GeneDx Variant Classification Process June 2021. Collection method: clinical testing. Allele origin: germline. Affected: yes.
Comment: In silico analysis, which includes splice predictors and evolutionary conservation, supports that this variant does not alter protein structure/function; Has not been previously published as pathogenic or benign to our knowledge

NM_001371623.1(TCOF1):c.252C>T (p.Thr84=)

Gene: TCOF1 (treacle ribosome biogenesis factor 1; plus strand). Cytogenetic location: 5q32.
Variant type: single nucleotide variant.
Coding change: c.252C>T on transcript NM_001371623.1 (MANE Select); coding-DNA position 252, C replaced by T.
Protein change: p.Thr84=; no amino-acid change (threonine 84 retained).
Molecular consequence: synonymous variant.
Genome position (GRCh38, 1-based): chr5:150,364,200, C>T. VCF-style: chr5-150364200-C-T. GRCh37 (hg19) VCF-style: chr5-149743763-C-T.
Other names: c.252C>T, p.Thr84= (NM_001135244.2, NM_001135245.2, NM_001195141.2 and 3 more transcripts).
Identifiers: ClinVar variation 1312317 (VCV001312317.5), dbSNP rs772865214, ClinGen allele CA129124101.